The following is an entry in ClinVar:

ClinVar aggregate classification (germline): Uncertain significance (1 of 4 stars; one submission).

Conditions:
Familial thoracic aortic aneurysm and aortic dissection (TAAD). Also called: Thoracic aortic aneurysms and dissections. Identifiers: Orphanet 91387, MedGen C4707243, MONDO:0019625.

Submission:

Color Diagnostics, LLC DBA Color Health
Classification: Uncertain significance for Familial thoracic aortic aneurysm and aortic dissection. Last evaluated: 2020-11-03. Review status: criteria provided, single submitter. Criteria: ACMG Guidelines, 2015. Collection method: clinical testing. Allele origin: germline.
Comment: This variant changes 1 nucleotide in the 5' untranslated region of the MYH11 protein. To our knowledge, functional studies have not been reported for this variant. This variant has not been reported in individuals affected with cardiovascular disorders in the literature. This variant has not been identified in the general population by the Genome Aggregation Database (gnomAD). The available evidence is insufficient to determine the role of this variant in disease conclusively. Therefore, this variant is classified as a Variant of Uncertain Significance.

NM_002474.3(MYH11):c.-6G>A

Gene: MYH11 (myosin heavy chain 11; minus strand). Cytogenetic location: 16p13.11.
Variant type: single nucleotide variant.
Coding change: c.-6G>A on transcript NM_002474.3 (MANE Select); 6 bases upstream of the start codon, G replaced by A.
Molecular consequence: 5 prime UTR variant.
Genome position (GRCh38, 1-based): chr16:15,838,258, C>T on the plus strand (G>A on the coding strand, the complement: MYH11 is on the minus strand). VCF-style: chr16-15838258-C-T. GRCh37 (hg19) VCF-style: chr16-15932115-C-T.
Other names: c.-6G>A (NM_001040113.2, NM_001040114.2, NM_022844.3).
Identifiers: ClinVar variation 1172102 (VCV001172102.2), dbSNP rs2151381651, ClinGen allele CA2499223242.